The following is an entry in ClinVar:

NM_006206.6(PDGFRA):c.275C>T (p.Ala92Val)

Gene: PDGFRA (platelet derived growth factor receptor alpha; plus strand). Cytogenetic location: 4q12.
Variant type: single nucleotide variant.
Coding change: c.275C>T on transcript NM_006206.6 (MANE Select); coding-DNA position 275, C replaced by T.
Protein change: p.Ala92Val; replaces alanine 92 with valine.
Molecular consequence: missense variant.
Genome position (GRCh38, 1-based): chr4:54,261,320, C>T. VCF-style: chr4-54261320-C-T. GRCh37 (hg19) VCF-style: chr4-55127487-C-T.
Other names: c.275C>T (NM_006206.5); c.275C>T, p.Ala92Val (NM_001347827.2, NM_001347829.2); c.350C>T, p.Ala117Val (NM_001347828.2); c.314C>T, p.Ala105Val (NM_001347830.2); short protein forms A92V, A105V, A117V.
Identifiers: ClinVar variation 528495 (VCV000528495.18), dbSNP rs759729258, ClinGen allele CA2922258.
Genomic context (GRCh38, chr4:54,261,320, plus strand): 5'-GAAATGAAGAAAACAACAGCGGCCTTTTTGTGACGGTCTTGGAAGTGAGCAGTGCCTCGG[C>T]GGCCCACACAGGGTTGTACACTTGCTATTACAACCACACTCAGACAGAAGAGAATGAGCT-3'
Protein context (NP_006197.1, residues 82-102): VTVLEVSSAS[Ala92Val]AHTGLYTCYY

ClinVar aggregate classification (germline): Conflicting classifications of pathogenicity. Review status: criteria provided, conflicting classifications (1 of 4 stars). 6 submissions from 6 submitters: Uncertain significance (4); Benign (1); Likely benign (1). Last evaluated 2026-08-27.

Conditions:
Polyps, multiple and recurrent inflammatory fibroid, gastrointestinal. Identifiers: MedGen C5193005, MONDO:0008285, OMIM 175510.
Gastrointestinal stromal tumor. Also called: Gastrointestinal stroma tumor; Gastrointestinal stromal tumor, somatic. Identifiers: Orphanet 44890, MedGen C0238198, MeSH D046152, MONDO:0011719, OMIM 606764, HP:0100723.
PDGFRA-related disorder. Also called: PDGFRA-related condition.
Hereditary cancer-predisposing syndrome. Also called: Hereditary neoplastic syndrome; Hereditary Cancer Syndrome; Neoplastic Syndromes, Hereditary; Tumor predisposition. Identifiers: Orphanet 140162, MedGen C0027672, MeSH D009386, MONDO:0015356.

Allele frequency attached by ClinVar (database versions not stated): TOPMed 0.00001; ExAC 0.00002; gnomAD exomes 0.00002 and 0.00001; gnomAD 0.00001.
gnomAD v4.1: 15 of 1,613,818 alleles (0.00093%); highest among the groups gnomAD compares: South Asian, 0.0055%; no homozygotes.

Submissions (6):

PreventionGenetics, part of Exact Sciences
Classification: Uncertain significance for PDGFRA-related condition. Last evaluated: 2026-08-27. Review status: criteria provided, single submitter. Criteria: ACMG Guidelines, 2015. Collection method: clinical testing. Allele origin: germline.
Comment: The PDGFRA c.275C>T variant is predicted to result in the amino acid substitution p.Ala92Val. To our knowledge, this variant has not been reported in the literature. This variant is reported in 0.0098% of alleles in individuals of South Asian descent in gnomAD. This variant has conflicting interpretations in ClinVar ranging from uncertain to benign (Variation ID: 528495). At this time, the clinical significance of this variant is uncertain due to the absence of conclusive functional and genetic evidence.

Myriad Genetics, Inc.
Classification: Likely benign for Polyps, multiple and recurrent inflammatory fibroid, gastrointestinal. Last evaluated: 2026-06-12. Review status: criteria provided, single submitter. Criteria: Myriad Autosomal Dominant, Autosomal Recessive and X-Linked Classification Criteria (2023). Collection method: clinical testing. Allele origin: unknown.
Comment: This variant is considered likely benign. This variant has been observed at a population frequency that is significantly greater than expected given the associated disease prevalence and penetrance.

Labcorp Genetics (formerly Invitae), Labcorp
Classification: Uncertain significance for Gastrointestinal stromal tumor. Last evaluated: 2025-12-15. Review status: criteria provided, single submitter. Criteria: Invitae Variant Classification Sherloc (09022015). Collection method: clinical testing. Allele origin: germline.
Comment: This sequence change replaces alanine, which is neutral and non-polar, with valine, which is neutral and non-polar, at codon 92 of the PDGFRA protein (p.Ala92Val). This variant is present in population databases (rs759729258, gnomAD 0.01%). This variant has not been reported in the literature in individuals affected with PDGFRA-related conditions. ClinVar contains an entry for this variant (Variation ID: 528495). Invitae Evidence Modeling of protein sequence and biophysical properties (such as structural, functional, and spatial information, amino acid conservation, physicochemical variation, residue mobility, and thermodynamic stability) indicates that this missense variant is not expected to disrupt PDGFRA protein function with a negative predictive value of 80%. In summary, the available evidence is currently insufficient to determine the role of this variant in disease. Therefore, it has been classified as a Variant of Uncertain Significance.

GeneDx
Classification: Uncertain significance. Last evaluated: 2025-08-13. Review status: criteria provided, single submitter. Criteria: GeneDx Variant Classification Process June 2021. Collection method: clinical testing. Allele origin: germline. Affected: yes.
Comment: In silico analysis supports that this missense variant has a deleterious effect on protein structure/function; Has not been previously published as pathogenic or benign to our knowledge

Ambry Genetics
Classification: Benign for Hereditary cancer-predisposing syndrome. Last evaluated: 2024-10-28. Review status: criteria provided, single submitter. Criteria: Ambry Variant Classification Scheme 2023. Collection method: clinical testing. Allele origin: germline.

Baylor Genetics
Classification: Uncertain significance for Polyps, multiple and recurrent inflammatory fibroid, gastrointestinal. Last evaluated: 2023-10-11. Review status: criteria provided, single submitter. Criteria: ACMG Guidelines, 2015. Collection method: clinical testing. Allele origin: unknown.